The following is an entry in ClinVar:

NM_001069.3(TUBB2A):c.1306T>G (p.Phe436Val)

Gene: TUBB2A (tubulin beta 2A class IIa; minus strand). Cytogenetic location: 6p25.2.
Variant type: single nucleotide variant.
Coding change: c.1306T>G on transcript NM_001069.3 (MANE Select); coding-DNA position 1306, T replaced by G.
Protein change: p.Phe436Val; replaces phenylalanine 436 with valine.
Molecular consequence: missense variant.
Genome position (GRCh38, 1-based): chr6:3,153,895, A>C on the plus strand (T>G on the coding strand, the complement: TUBB2A is on the minus strand). VCF-style: chr6-3153895-A-C. GRCh37 (hg19) VCF-style: chr6-3154129-A-C.
Other names: c.1051T>G, p.Phe351Val (NM_001310315.2); short protein forms F351V, F436V.
Identifiers: ClinVar variation 3367561 (VCV003367561.1).

ClinVar aggregate classification (germline): Uncertain significance (1 of 4 stars; one submission).

Submission:

GeneDx
Classification: Uncertain significance. Last evaluated: 2024-01-19. Review status: criteria provided, single submitter. Criteria: GeneDx Variant Classification Process June 2021. Collection method: clinical testing. Allele origin: germline. Affected: yes.
Comment: Not observed at significant frequency in large population cohorts (gnomAD); In silico analysis supports that this missense variant does not alter protein structure/function; Has not been previously published as pathogenic or benign to our knowledge